The following is an entry in ClinVar:

ClinVar aggregate classification (germline): Likely pathogenic (1 of 4 stars; one submission).

Submission:

Labcorp Genetics (formerly Invitae), Labcorp
Classification: Likely pathogenic. Last evaluated: 2023-09-08. Review status: criteria provided, single submitter. Criteria: Invitae Variant Classification Sherloc (09022015). Collection method: clinical testing. Allele origin: germline.
Comment: In summary, the currently available evidence indicates that the variant is pathogenic, but additional data are needed to prove that conclusively. Therefore, this variant has been classified as Likely Pathogenic. Algorithms developed to predict the effect of sequence changes on RNA splicing suggest that this variant may disrupt the consensus splice site. ClinVar contains an entry for this variant (Variation ID: 2116385). Disruption of this splice site has been observed in individual(s) with congenital ichthyosis (PMID: 31168818). This variant is not present in population databases (gnomAD no frequency). This sequence change affects a donor splice site in intron 6 of the TGM1 gene. It is expected to disrupt RNA splicing. Variants that disrupt the donor or acceptor splice site typically lead to a loss of protein function (PMID: 16199547), and loss-of-function variants in TGM1 are known to be pathogenic (PMID: 18948357, 19241467).

Literature cited by the submitters: PubMed 31168818; PubMed 16199547; PubMed 18948357; PubMed 19241467.

NM_000359.3(TGM1):c.984+2T>G

Gene: TGM1 (transglutaminase 1; minus strand). Cytogenetic location: 14q12.
Variant type: single nucleotide variant.
Coding change: c.984+2T>G on transcript NM_000359.3 (MANE Select); the canonical splice donor site of the intron after coding-DNA position 984, T replaced by G.
Molecular consequence: splice donor variant.
Genome position (GRCh38, 1-based): chr14:24,259,702, A>C on the plus strand (T>G on the coding strand, the complement: TGM1 is on the minus strand). VCF-style: chr14-24259702-A-C. GRCh37 (hg19) VCF-style: chr14-24728908-A-C.
Identifiers: ClinVar variation 2116385 (VCV002116385.4), dbSNP rs2502503044, ClinGen allele CA389267510.
Genomic context (GRCh38, chr14:24,259,702, plus strand): 5'-TGGGGGTGTGGCGAGGCAGCAGGCACACACACAGTAGGACTCAGAGATGTGAGGGTGCTC[A>C]CCATGGCAGAGATGACCCGGGAGACATTGACTGGGTCTCCACGGCCTCCATATGGCATCC-3'